The following is an entry in ClinVar:

ClinVar aggregate classification (germline): Benign/Likely benign. Review status: criteria provided, multiple submitters, no conflicts (2 of 4 stars). 11 submissions from 11 submitters: Benign (7); Likely benign (1). 3 of the submissions do not count toward it. Last evaluated 2026-02-03.

Conditions:
Microcephaly 5, primary, autosomal recessive (MCPH5). Also called: ASPM Primary Microcephaly. Identifiers: Orphanet 2512, MedGen C1837501, MONDO:0012106, OMIM 608716.

Allele frequency attached by ClinVar (database versions not stated): ESP Exome Variant Server 0.11404; gnomAD 0.16253 and 0.17676; TOPMed 0.18039; gnomAD exomes 0.19145 and 0.25741; ExAC 0.24159; 1000 Genomes Project 30x 0.29122; 1000 Genomes Project 0.29972.
gnomAD v4.1: 306,406 of 1,607,116 alleles (19%); highest among the groups gnomAD compares: East Asian, 69%; 39,755 homozygotes.

Submissions (11):

Labcorp Genetics (formerly Invitae), Labcorp
Classification: Benign. Last evaluated: 2026-02-03. Review status: criteria provided, single submitter. Criteria: Invitae Variant Classification Sherloc (09022015). Collection method: clinical testing. Allele origin: germline.

Blueprint Genetics
Classification: Likely benign. Last evaluated: 2024-11-26. Review status: criteria provided, single submitter. Criteria: ACMG Guidelines, 2015. Collection method: clinical testing. Allele origin: germline.

Genome-Nilou Lab
Classification: Benign for Microcephaly 5, primary, autosomal recessive. Last evaluated: 2023-04-11. Review status: criteria provided, single submitter. Criteria: ACMG Guidelines, 2015. Collection method: clinical testing. Allele origin: germline. Affected: no.

Clinical Genetics DNA and cytogenetics Diagnostics Lab, Erasmus MC, Erasmus Medical Center
Classification: Benign for Microcephaly 5, primary, autosomal recessive. Last evaluated: 2017-05-31. Review status: criteria provided, single submitter. Criteria: ACGS Guidelines, 2013. Collection method: clinical testing. Allele origin: germline. Affected: yes. Study: VKGL Data-share Consensus.

Eurofins Ntd Llc (ga)
Classification: Benign. Last evaluated: 2014-02-19. Review status: criteria provided, single submitter. Criteria: EGL Classification Definitions 2015. Collection method: clinical testing. Allele origin: germline. Observed: 10 variant alleles, 8 heterozygotes, 2 homozygotes.

GeneDx
Classification: Benign. Last evaluated: 2013-12-17. Review status: criteria provided, single submitter. Criteria: GeneDx Variant Classification (06012015). Collection method: clinical testing. Allele origin: germline. Affected: yes.
Comment: This variant is considered likely benign or benign based on one or more of the following criteria: it is a conservative change, it occurs at a poorly conserved position in the protein, it is predicted to be benign by multiple in silico algorithms, and/or has population frequency not consistent with disease.

Breakthrough Genomics
Classification: Benign. Review status: criteria provided, single submitter. Criteria: ACMG Guidelines, 2015. Collection method: not provided. Allele origin: germline. Inheritance: Autosomal recessive inheritance. Affected: yes.

PreventionGenetics, part of Exact Sciences
Classification: Benign. Review status: criteria provided, single submitter. Criteria: ACMG Guidelines, 2015. Collection method: clinical testing. Allele origin: germline.

Diagnostic Laboratory, Department of Genetics, University Medical Center Groningen
Classification: Benign for Microcephaly 5, primary, autosomal recessive. Review status: no assertion criteria provided. Collection method: clinical testing. Allele origin: germline. Affected: yes. Study: VKGL Data-share Consensus. Not counted in ClinVar's aggregate classification.

Genetic Services Laboratory, University of Chicago
Classification: Likely benign. Review status: no assertion criteria provided. Collection method: clinical testing. Allele origin: germline. Inheritance: Autosomal recessive inheritance. Not counted in ClinVar's aggregate classification.
Comment: Likely benign based on allele frequency in 1000 Genomes Project or ESP global frequency and its presence in a patient with a rare or unrelated disease phenotype. NOT Sanger confirmed

Joint Genome Diagnostic Labs from Nijmegen and Maastricht, Radboudumc and MUMC+
Classification: Benign. Review status: no assertion criteria provided. Collection method: clinical testing. Allele origin: germline. Affected: yes. Study: VKGL Data-share Consensus. Not counted in ClinVar's aggregate classification.

NM_018136.5(ASPM):c.2174-20T>C

Gene: ASPM (assembly factor for spindle microtubules; minus strand). Cytogenetic location: 1q31.3.
Variant type: single nucleotide variant.
Coding change: c.2174-20T>C on transcript NM_018136.5 (MANE Select); 20 bases into the intron before coding-DNA position 2174, T replaced by C.
Molecular consequence: intron variant.
Genome position (GRCh38, 1-based): chr1:197,133,615, A>G on the plus strand (T>C on the coding strand, the complement: ASPM is on the minus strand). VCF-style: chr1-197133615-A-G. GRCh37 (hg19) VCF-style: chr1-197102745-A-G.
Other names: c.2174-20T>C (NM_001206846.2).
Identifiers: ClinVar variation 95887 (VCV000095887.26), dbSNP rs4915344, ClinGen allele CA149004.